The following is an entry in ClinVar:

ClinVar aggregate classification (germline): Conflicting classifications of pathogenicity. Review status: criteria provided, conflicting classifications (1 of 4 stars). 3 submissions from 3 submitters: Uncertain significance (1); Likely benign (2). Last evaluated 2022-08-23.

Conditions:
Landau-Kleffner syndrome (FESD). Also called: EPILEPSY, FOCAL, WITH SPEECH DISORDER AND WITH OR WITHOUT MENTAL RETARDATION; APHASIA, ACQUIRED, WITH EPILEPSY. Identifiers: Orphanet 1945, Orphanet 725, Orphanet 98818, MedGen C0282512, MONDO:0009509, OMIM 245570.

Allele frequency attached by ClinVar (database versions not stated): gnomAD exomes 0.00001 and below 0.00001.
gnomAD v4.1: 12 of 1,612,832 alleles (0.00074%); highest among the groups gnomAD compares: East Asian, 0.027%; no homozygotes.

Submissions (3):

Labcorp Genetics (formerly Invitae), Labcorp
Classification: Likely benign for Landau-Kleffner syndrome. Last evaluated: 2022-08-23. Review status: criteria provided, single submitter. Criteria: Invitae Variant Classification Sherloc (09022015). Collection method: clinical testing. Allele origin: germline.

Illumina Laboratory Services, Illumina
Classification: Uncertain significance for Landau-Kleffner syndrome. Last evaluated: 2018-01-12. Review status: criteria provided, single submitter. Criteria: ICSL Variant Classification Criteria 13 December 2019. Collection method: clinical testing. Allele origin: germline.

GeneDx
Classification: Likely benign. Last evaluated: 2016-08-02. Review status: criteria provided, single submitter. Criteria: GeneDx Variant Classification (06012015). Collection method: clinical testing. Allele origin: germline. Affected: yes.
Comment: This variant is considered likely benign or benign based on one or more of the following criteria: it is a conservative change, it occurs at a poorly conserved position in the protein, it is predicted to be benign by multiple in silico algorithms, and/or has population frequency not consistent with disease.

NM_001134407.3(GRIN2A):c.2049G>C (p.Gly683=)

Gene: GRIN2A (glutamate ionotropic receptor NMDA type subunit 2A; minus strand). Cytogenetic location: 16p13.2.
Variant type: single nucleotide variant.
Coding change: c.2049G>C on transcript NM_001134407.3 (MANE Select); coding-DNA position 2049, G replaced by C.
Protein change: p.Gly683=; no amino-acid change (glycine 683 retained).
Molecular consequence: synonymous variant.
Genome position (GRCh38, 1-based): chr16:9,822,383, C>G on the plus strand (G>C on the coding strand, the complement: GRIN2A is on the minus strand). VCF-style: chr16-9822383-C-G. GRCh37 (hg19) VCF-style: chr16-9916240-C-G.
Other names: c.2049G>C, p.Gly683= (NM_000833.5, NM_001134408.2).
Identifiers: ClinVar variation 388190 (VCV000388190.14), dbSNP rs1057523027, ClinGen allele CA16607580.